The following is an entry in ClinVar:

NM_007357.3(COG2):c.116G>A (p.Arg39Gln)

Gene: COG2 (component of oligomeric golgi complex 2; plus strand). Cytogenetic location: 1q42.2.
Variant type: single nucleotide variant.
Coding change: c.116G>A on transcript NM_007357.3 (MANE Select); coding-DNA position 116, G replaced by A.
Protein change: p.Arg39Gln; replaces arginine 39 with glutamine.
Molecular consequence: missense variant.
Genome position (GRCh38, 1-based): chr1:230,659,507, G>A. VCF-style: chr1-230659507-G-A. GRCh37 (hg19) VCF-style: chr1-230795253-G-A.
Other names: c.116G>A, p.Arg39Gln (NM_001145036.2); short protein forms R39Q.
Identifiers: ClinVar variation 1030210 (VCV001030210.2), dbSNP rs766265749, ClinGen allele CA1447289.

ClinVar aggregate classification (germline): Uncertain significance. Review status: criteria provided, multiple submitters, no conflicts (2 of 4 stars). 2 submissions from 2 submitters: Uncertain significance (2). Last evaluated 2025-08-23.

Conditions:
Congenital disorder of glycosylation, type IIq. Also called: CDG IIq. Identifiers: Orphanet 435934, MedGen C4479353, MONDO:0054559, OMIM 617395.

Allele frequency attached by ClinVar (database versions not stated): gnomAD below 0.00001 and 0.00002; TOPMed 0.00001; gnomAD exomes 0.00003 and 0.00007; ExAC 0.00008.
gnomAD v4.1: 49 of 1,613,842 alleles (0.003%); highest among the groups gnomAD compares: South Asian, 0.041%; 1 homozygote.

Submissions (2):

Ambry Genetics
Classification: Uncertain significance. Last evaluated: 2025-08-23. Review status: criteria provided, single submitter. Criteria: Ambry Variant Classification Scheme 2023. Collection method: clinical testing. Allele origin: germline.

Baylor Genetics
Classification: Uncertain significance for Congenital disorder of glycosylation, type IIq. Last evaluated: 2020-12-18. Review status: criteria provided, single submitter. Criteria: ACMG Guidelines, 2015. Collection method: clinical testing. Allele origin: unknown. Affected: yes.
Comment: This variant was determined to be of uncertain significance according to ACMG Guidelines, 2015 [PMID:25741868].